The following is an entry in ClinVar:

NM_001291415.2(KDM6A):c.2888G>C (p.Ser963Thr)

Gene: KDM6A (lysine demethylase 6A; plus strand). Cytogenetic location: Xp11.3.
Variant type: single nucleotide variant.
Coding change: c.2888G>C on transcript NM_001291415.2 (MANE Select); coding-DNA position 2888, G replaced by C.
Protein change: p.Ser963Thr; replaces serine 963 with threonine.
Molecular consequence: missense variant. On other transcripts: non-coding transcript variant (1).
Genome position (GRCh38, 1-based): chrX:45,076,726, G>C. VCF-style: chrX-45076726-G-C. GRCh37 (hg19) VCF-style: chrX-44935971-G-C.
Other names: c.2753G>C, p.Ser918Thr (NM_001291416.2); c.2597G>C, p.Ser866Thr (NM_001291417.2); c.2495G>C, p.Ser832Thr (NM_001291418.2); c.1844G>C, p.Ser615Thr (NM_001291421.2); c.2732G>C, p.Ser911Thr (NM_021140.4); c.2732G>C (NM_021140.3); short protein forms S963T, S918T, S615T, S911T, S832T, S866T.
Identifiers: ClinVar variation 134598 (VCV000134598.8), dbSNP rs201673109, ClinGen allele CA160297.

ClinVar aggregate classification (germline): Benign. Review status: criteria provided, single submitter (1 of 4 stars). 3 submissions from 3 submitters: Benign (1). 2 of the submissions do not count toward it. Last evaluated 2025-01-29.

Conditions:
KDM6A-related disorder. Also called: KDM6A-related condition.
Kabuki syndrome 2 (KABUK2). Also called: KDM6A-Related Kabuki Syndrome. Identifiers: Orphanet 2322, MedGen C3275495, MONDO:0010465, OMIM 300867.

Allele frequency attached by ClinVar (database versions not stated): TOPMed below 0.00001; gnomAD 0.00002 and 0.00004; gnomAD exomes 0.00005 and 0.00007; ExAC 0.00007; 1000 Genomes Project 30x 0.00021; 1000 Genomes Project 0.00026.
gnomAD v4.1: 58 of 1,157,800 alleles (0.005%); highest among the groups gnomAD compares: Middle Eastern, 0.14%; no homozygotes.

Submissions (3):

Labcorp Genetics (formerly Invitae), Labcorp
Classification: Benign for Kabuki syndrome 2. Last evaluated: 2025-01-29. Review status: criteria provided, single submitter. Criteria: Invitae Variant Classification Sherloc (09022015). Collection method: clinical testing. Allele origin: germline.

PreventionGenetics, part of Exact Sciences
Classification: Likely benign for KDM6A-related condition. Last evaluated: 2021-09-14. Review status: no assertion criteria provided. Collection method: clinical testing. Allele origin: germline. Not counted in ClinVar's aggregate classification.
Comment: This variant is classified as likely benign based on ACMG/AMP sequence variant interpretation guidelines (Richards et al. 2015 PMID: 25741868, with internal and published modifications).

ITMI
No classification provided. Condition: AllHighlyPenetrant. Last evaluated: 2013-09-19. Review status: no classification provided. Collection method: reference population. Allele origin: germline. Not counted in ClinVar's aggregate classification.
Comment: Please see associated publication for description of ethnicities

Literature cited by the submitters: PubMed 24728327 (cited by ITMI).